The following is an entry in ClinVar:

NM_000748.3(CHRNB2):c.466A>G (p.Lys156Glu)

Gene: CHRNB2 (cholinergic receptor nicotinic beta 2 subunit; plus strand). Cytogenetic location: 1q21.3.
Variant type: single nucleotide variant.
Coding change: c.466A>G on transcript NM_000748.3 (MANE Select); coding-DNA position 466, A replaced by G.
Protein change: p.Lys156Glu; replaces lysine 156 with glutamic acid.
Molecular consequence: missense variant.
Genome position (GRCh38, 1-based): chr1:154,571,289, A>G. VCF-style: chr1-154571289-A-G. GRCh37 (hg19) VCF-style: chr1-154543765-A-G.
Other names: short protein forms K156E.
Identifiers: ClinVar variation 1718971 (VCV001718971.5), dbSNP rs2526368119, ClinGen allele CA342630086.

ClinVar aggregate classification (germline): Uncertain significance (1 of 4 stars; one submission).

Conditions:
Familial sleep-related hypermotor epilepsy. Also called: Autosomal Dominant Sleep-Related Hypermotor (Hyperkinetic) Epilepsy. Identifiers: Orphanet 98784, MedGen C3696898, MONDO:0000030.

Submission:

Labcorp Genetics (formerly Invitae), Labcorp
Classification: Uncertain significance. Last evaluated: 2022-09-07. Review status: criteria provided, single submitter. Criteria: Invitae Variant Classification Sherloc (09022015). Collection method: clinical testing. Allele origin: germline.
Comment: This variant is not present in population databases (gnomAD no frequency). In summary, the available evidence is currently insufficient to determine the role of this variant in disease. Therefore, it has been classified as a Variant of Uncertain Significance. Advanced modeling of protein sequence and biophysical properties (such as structural, functional, and spatial information, amino acid conservation, physicochemical variation, residue mobility, and thermodynamic stability) performed at Invitae indicates that this missense variant is not expected to disrupt CHRNB2 protein function. This variant has not been reported in the literature in individuals affected with CHRNB2-related conditions. This sequence change replaces lysine, which is basic and polar, with glutamic acid, which is acidic and polar, at codon 156 of the CHRNB2 protein (p.Lys156Glu).